The following is an entry in ClinVar:

NM_000343.4(SLC5A1):c.1697G>A (p.Ser566Asn)

Gene: SLC5A1 (solute carrier family 5 member 1; plus strand). Cytogenetic location: 22q12.3.
Variant type: single nucleotide variant.
Coding change: c.1697G>A on transcript NM_000343.4 (MANE Select); coding-DNA position 1697, G replaced by A.
Protein change: p.Ser566Asn; replaces serine 566 with asparagine.
Molecular consequence: missense variant.
Genome position (GRCh38, 1-based): chr22:32,104,817, G>A. VCF-style: chr22-32104817-G-A. GRCh37 (hg19) VCF-style: chr22-32500804-G-A.
Other names: c.1316G>A, p.Ser439Asn (NM_001256314.2); short protein forms S439N, S566N.
Identifiers: ClinVar variation 1376849 (VCV001376849.5), dbSNP rs1390196310, ClinGen allele CA411314610.

ClinVar aggregate classification (germline): Uncertain significance (1 of 4 stars; one submission).

Conditions:
Congenital glucose-galactose malabsorption (GGM). Also called: MONOSACCHARIDE MALABSORPTION; DIARRHEA 16. Identifiers: Orphanet 35710, MedGen C0268186, MONDO:0011731, OMIM 606824.

Allele frequency attached by ClinVar (database versions not stated): TOPMed below 0.00001; gnomAD exomes 0.00001.
gnomAD v4.1: 8 of 1,614,114 alleles (0.0005%); highest among the groups gnomAD compares: Non-Finnish European, 0.00068%; no homozygotes.

Submission:

Labcorp Genetics (formerly Invitae), Labcorp
Classification: Uncertain significance for Congenital glucose-galactose malabsorption. Last evaluated: 2025-10-21. Review status: criteria provided, single submitter. Criteria: Invitae Variant Classification Sherloc (09022015). Collection method: clinical testing. Allele origin: germline.
Comment: This sequence change replaces serine, which is neutral and polar, with asparagine, which is neutral and polar, at codon 566 of the SLC5A1 protein (p.Ser566Asn). This variant is not present in population databases (gnomAD no frequency). This variant has not been reported in the literature in individuals affected with SLC5A1-related conditions. ClinVar contains an entry for this variant (Variation ID: 1376849). Invitae Evidence Modeling of protein sequence and biophysical properties (such as structural, functional, and spatial information, amino acid conservation, physicochemical variation, residue mobility, and thermodynamic stability) has been performed for this missense variant. However, the output from this modeling did not meet the statistical confidence thresholds required to predict the impact of this variant on SLC5A1 protein function. In summary, the available evidence is currently insufficient to determine the role of this variant in disease. Therefore, it has been classified as a Variant of Uncertain Significance.